The following is an entry in ClinVar:

ClinVar aggregate classification (germline): Uncertain significance. Review status: criteria provided, multiple submitters, no conflicts (2 of 4 stars). 2 submissions from 2 submitters: Uncertain significance (2). Last evaluated 2025-10-01.

Conditions:
Familial adenomatous polyposis 4 (FAP4). Also called: MSH3-related attenuated familial adenomatous polyposis. Identifiers: Orphanet 480536, MedGen C4310719, MONDO:0044300, OMIM 617100.
Endometrial carcinoma. Also called: Endometrial carcinoma, somatic. Identifiers: MedGen C0476089, MONDO:0002447, OMIM 608089, HP:0012114.

Submissions (2):

Labcorp Genetics (formerly Invitae), Labcorp
Classification: Uncertain significance. Last evaluated: 2025-10-01. Review status: criteria provided, single submitter. Criteria: Invitae Variant Classification Sherloc (09022015). Collection method: clinical testing. Allele origin: germline.
Comment: This sequence change falls in intron 14 of the MSH3 gene. It does not directly change the encoded amino acid sequence of the MSH3 protein. It affects a nucleotide within the consensus splice site. This variant is not present in population databases (gnomAD no frequency). This variant has not been reported in the literature in individuals affected with MSH3-related conditions. ClinVar contains an entry for this variant (Variation ID: 3685508). Variants that disrupt the consensus splice site are a relatively common cause of aberrant splicing (PMID: 17576681, 9536098). Studies have shown that this variant is associated with altered splicing resulting in multiple RNA products (internal data). In summary, the available evidence is currently insufficient to determine the role of this variant in disease. Therefore, it has been classified as a Variant of Uncertain Significance.

Department of Pathology and Laboratory Medicine, Sinai Health System
Classification: Uncertain significance for Endometrial carcinoma; Familial adenomatous polyposis 4. Last evaluated: 2023-05-05. Review status: criteria provided, single submitter. Criteria: ACMG Guidelines, 2015. Collection method: clinical testing. Allele origin: germline. Affected: yes.

Literature cited by the submitters: PubMed 17576681 (cited by Labcorp Genetics (formerly Invitae), Labcorp); PubMed 9536098 (cited by Labcorp Genetics (formerly Invitae), Labcorp).

NM_002439.5(MSH3):c.2084+4_2084+7del

Gene: MSH3 (mutS homolog 3; plus strand). Cytogenetic location: 5q14.1.
Variant type: Microsatellite.
Coding change: c.2084+4_2084+7del on transcript NM_002439.5 (MANE Select); bases 4 to 7 of the intron after coding-DNA position 2084, 4 bases deleted (AGTA; older notation c.2084+4_2084+7delAGTA).
Molecular consequence: splice donor variant.
Genome position (GRCh38, 1-based): chr5:80,768,124-80,768,127, AGTA deleted; deleting any 4 consecutive bases within chr5:80,768,119-80,768,127 gives the same sequence; the c. name uses the placement nearest the transcript's 3' end. VCF-style (leftmost placement, unchanged base first): chr5-80768118-CAAGT-C. GRCh37 (hg19) VCF-style: chr5-80063937-CAAGT-C.
Identifiers: ClinVar variation 3685508 (VCV003685508.3).
Genomic context (GRCh38, chr5:80,768,118, plus strand): 5'-AATTCCTGAACTCCTCAGTCCAGTGGAGCATTACTTAAAGATACTCAATGAACAAGCTGC[CAAGT>C]AAGTACCAGACCCTGAATTCTTCCTTTTCACCAGTCAGTATAATTCAGTGCATTTGCCAT-3'